The following is an entry in ClinVar:

NM_004431.5(EPHA2):c.1429-4A>G

Gene: EPHA2 (EPH receptor A2; minus strand). Cytogenetic location: 1p36.13.
Variant type: single nucleotide variant.
Coding change: c.1429-4A>G on transcript NM_004431.5 (MANE Select); 4 bases into the intron before coding-DNA position 1429, A replaced by G.
Molecular consequence: intron variant.
Genome position (GRCh38, 1-based): chr1:16,135,193, T>C on the plus strand (A>G on the coding strand, the complement: EPHA2 is on the minus strand). VCF-style: chr1-16135193-T-C. GRCh37 (hg19) VCF-style: chr1-16461688-T-C.
Other names: c.1267-4A>G (NM_001329090.2); c.1429-4A>G (NM_004431.4).
Identifiers: ClinVar variation 1166109 (VCV001166109.5), dbSNP rs374403114, ClinGen allele CA625175.

ClinVar aggregate classification (germline): Benign. Review status: criteria provided, single submitter (1 of 4 stars). 2 submissions from 2 submitters: Benign (1). 1 of the submissions does not count toward it. Last evaluated 2020-09-03.

Conditions:
EPHA2-related disorder. Also called: EPHA2-related condition.
Cataract 6 multiple types. Also called: CATARACT 6, POSTERIOR POLAR; CATARACT 6, CONGENITAL TOTAL; CATARACT, AGE-RELATED CORTICAL, 2. Identifiers: Orphanet 91492, MedGen C1861825, MONDO:0007288, OMIM 116600.

Allele frequency attached by ClinVar (database versions not stated): gnomAD 0.00002 and 0.00017; TOPMed 0.00005; ESP Exome Variant Server 0.00008; gnomAD exomes 0.00032 and 0.00055; ExAC 0.00060; 1000 Genomes Project 0.00100; 1000 Genomes Project 30x 0.00109.
gnomAD v4.1: 497 of 1,613,468 alleles (0.031%); highest among the groups gnomAD compares: South Asian, 0.43%; 4 homozygotes.

Submissions (2):

Labcorp Genetics (formerly Invitae), Labcorp
Classification: Benign for Cataract 6 multiple types. Last evaluated: 2020-09-03. Review status: criteria provided, single submitter. Criteria: Invitae Variant Classification Sherloc (09022015). Collection method: clinical testing. Allele origin: germline.

PreventionGenetics, part of Exact Sciences
Classification: Benign for EPHA2-related condition. Last evaluated: 2019-05-01. Review status: no assertion criteria provided. Collection method: clinical testing. Allele origin: germline. Not counted in ClinVar's aggregate classification.
Comment: This variant is classified as benign based on ACMG/AMP sequence variant interpretation guidelines (Richards et al. 2015 PMID: 25741868, with internal and published modifications).